The following is an entry in ClinVar:

ClinVar aggregate classification (germline): Uncertain significance (1 of 4 stars; one submission).

Submission:

Labcorp Genetics (formerly Invitae), Labcorp
Classification: Uncertain significance. Last evaluated: 2024-02-20. Review status: criteria provided, single submitter. Criteria: Invitae Variant Classification Sherloc (09022015). Collection method: clinical testing. Allele origin: germline.
Comment: This sequence change replaces serine, which is neutral and polar, with cysteine, which is neutral and slightly polar, at codon 192 of the C8A protein (p.Ser192Cys). This variant is not present in population databases (gnomAD no frequency). This variant has not been reported in the literature in individuals affected with C8A-related conditions. ClinVar contains an entry for this variant (Variation ID: 1465994). An algorithm developed to predict the effect of missense changes on protein structure and function (PolyPhen-2) suggests that this variant is likely to be tolerated. In summary, the available evidence is currently insufficient to determine the role of this variant in disease. Therefore, it has been classified as a Variant of Uncertain Significance.

NM_000562.3(C8A):c.575C>G (p.Ser192Cys)

Gene: C8A (complement C8 alpha chain; plus strand). Cytogenetic location: 1p32.2.
Variant type: single nucleotide variant.
Coding change: c.575C>G on transcript NM_000562.3 (MANE Select); coding-DNA position 575, C replaced by G.
Protein change: p.Ser192Cys; replaces serine 192 with cysteine.
Molecular consequence: missense variant.
Genome position (GRCh38, 1-based): chr1:56,881,555, C>G. VCF-style: chr1-56881555-C-G. GRCh37 (hg19) VCF-style: chr1-57347228-C-G.
Other names: short protein forms S192C.
Identifiers: ClinVar variation 1465994 (VCV001465994.6), dbSNP rs2101232784, ClinGen allele CA340514709.